The following is an entry in ClinVar:

ClinVar aggregate classification (germline): Uncertain significance (1 of 4 stars; one submission).

Submission:

GeneDx
Classification: Uncertain significance. Last evaluated: 2021-06-17. Review status: criteria provided, single submitter. Criteria: GeneDx Variant Classification Process June 2021. Collection method: clinical testing. Allele origin: germline. Affected: yes.
Comment: Has not been previously published as pathogenic or benign to our knowledge; Not observed at significant frequency in large population cohorts (Lek et al., 2016); In-frame deletion of 6 amino acids in a non-repeat region; In silico analysis supports that this variant does not alter protein structure/function; This variant is associated with the following publications: (PMID: 27535533)

NM_007118.4(TRIO):c.6952_6969del (p.Ser2318_Gly2323del)

Gene: TRIO (trio Rho guanine nucleotide exchange factor; plus strand). Cytogenetic location: 5p15.2.
Variant type: Deletion.
Coding change: c.6952_6969del on transcript NM_007118.4 (MANE Select); coding-DNA positions 6952 to 6969, 18 bases deleted (AGCGGCCACAGTGGCGGC).
Protein change: p.Ser2318_Gly2323del.
Molecular consequence: inframe deletion. On other transcripts: non-coding transcript variant (1).
Genome position (GRCh38, 1-based): chr5:14,487,580-14,487,597, AGCGGCCACAGTGGCGGC deleted; deleting any 18 consecutive bases within chr5:14,487,570-14,487,597 gives the same sequence; the c. name uses the placement nearest the transcript's 3' end. VCF-style (leftmost placement, unchanged base first): chr5-14487569-CCAGTGGCGGCAGCGGCCA-C. GRCh37 (hg19) VCF-style: chr5-14487678-CCAGTGGCGGCAGCGGCCA-C.
Identifiers: ClinVar variation 1328860 (VCV001328860.2), dbSNP rs1303675005, ClinGen allele CA805089844.